The following is an entry in ClinVar:

NM_015001.3(SPEN):c.7232C>A (p.Ser2411Ter)

Gene: SPEN (spen family transcriptional repressor; plus strand). Cytogenetic location: 1p36.13.
Variant type: single nucleotide variant.
Coding change: c.7232C>A on transcript NM_015001.3 (MANE Select); coding-DNA position 7232, C replaced by A.
Protein change: p.Ser2411Ter; replaces serine 2411 with a stop codon.
Molecular consequence: nonsense.
Genome position (GRCh38, 1-based): chr1:15,933,472, C>A. VCF-style: chr1-15933472-C-A. GRCh37 (hg19) VCF-style: chr1-16259967-C-A.
Other names: short protein forms S2411*.
Identifiers: ClinVar variation 2429939 (VCV002429939.4), dbSNP rs2071243064, ClinGen allele CA338643453.

ClinVar aggregate classification (germline): Pathogenic/Likely pathogenic. Review status: criteria provided, multiple submitters, no conflicts (2 of 4 stars). 2 submissions from 2 submitters: Pathogenic (1); Likely pathogenic (1). Last evaluated 2024-09-08.

Conditions:
Autism spectrum disorder. Also called: Autism spectrum disorders. Identifiers: MedGen C1510586, MeSH D000067877, MONDO:0005258.

Submissions (2):

Labcorp Genetics (formerly Invitae), Labcorp
Classification: Pathogenic. Last evaluated: 2024-09-08. Review status: criteria provided, single submitter. Criteria: Invitae Variant Classification Sherloc (09022015). Collection method: clinical testing. Allele origin: germline.
Comment: This sequence change creates a premature translational stop signal (p.Ser2411*) in the SPEN gene. It is expected to result in an absent or disrupted protein product. Loss-of-function variants in SPEN are known to be pathogenic (PMID: 33596411). This variant is not present in population databases (gnomAD no frequency). This premature translational stop signal has been observed in individual(s) with SPEN-related conditions (PMID: 32094338). ClinVar contains an entry for this variant (Variation ID: 2429939). For these reasons, this variant has been classified as Pathogenic.

Department of Genetics, Rouen University Hospital, Normandy Center for Genomic and Personalized Medicine
Classification: Likely pathogenic for Autism spectrum disorder. Review status: criteria provided, single submitter. Criteria: ACMG Guidelines, 2015. Collection method: clinical testing. Allele origin: de novo. Affected: yes.

Literature cited by the submitters: PubMed 33596411 (cited by Labcorp Genetics (formerly Invitae), Labcorp); PubMed 32094338 (cited by Labcorp Genetics (formerly Invitae), Labcorp).